The following is an entry in ClinVar:

NM_153700.2(STRC):c.583C>T (p.Gln195Ter)

Gene: STRC (stereocilin; minus strand). Cytogenetic location: 15q15.3.
Variant type: single nucleotide variant.
Coding change: c.583C>T on transcript NM_153700.2 (MANE Select); coding-DNA position 583, C replaced by T.
Protein change: p.Gln195Ter; replaces glutamine 195 with a stop codon.
Molecular consequence: nonsense.
Genome position (GRCh38, 1-based): chr15:43,617,838, G>A on the plus strand (C>T on the coding strand, the complement: STRC is on the minus strand). VCF-style: chr15-43617838-G-A. GRCh37 (hg19) VCF-style: chr15-43910036-G-A.
Other names: short protein forms Q195*.
Identifiers: ClinVar variation 1687399 (VCV001687399.2), dbSNP rs774990944, ClinGen allele CA7528432.

ClinVar aggregate classification (germline): Pathogenic. Review status: criteria provided, multiple submitters, no conflicts (2 of 4 stars). 2 submissions from 2 submitters: Pathogenic (2). Last evaluated 2025-09-23.

Conditions:
STRC-related disorder. Also called: STRC-related condition.
Autosomal recessive nonsyndromic hearing loss 16. Also called: DEAFNESS, AUTOSOMAL RECESSIVE 16; DFNB16 Nonsyndromic Hearing Loss and Deafness. Identifiers: Orphanet 90636, MedGen C1863561, MONDO:0011364, OMIM 603720.

Allele frequency attached by ClinVar (database versions not stated): gnomAD exomes below 0.00001; ExAC 0.00001.

Submissions (2):

PreventionGenetics, part of Exact Sciences
Classification: Pathogenic for STRC-related condition. Last evaluated: 2025-09-23. Review status: criteria provided, single submitter. Criteria: ACMG Guidelines, 2015. Collection method: clinical testing. Allele origin: germline.
Comment: The STRC c.583C>T variant is predicted to result in premature protein termination (p.Gln195*). This variant has been reported along with a second likely pathogenic STRC variant in two individuals with hearing loss (Kim et al. 2020. PubMed ID: 32203226). This variant is reported in 0.0051% of alleles in individuals of East Asian descent in gnomAD. Nonsense variants in STRC are expected to be pathogenic. This variant is interpreted as pathogenic.

3billion
Classification: Pathogenic for Autosomal recessive nonsyndromic hearing loss 16. Last evaluated: 2022-05-22. Review status: criteria provided, single submitter. Criteria: ACMG Guidelines, 2015. Collection method: clinical testing. Allele origin: germline. Affected: yes. Observed: 1 heterozygote.
Comment: The variant is observed at an extremely low frequency in the gnomAD v2.1.1 dataset (total allele frequency: <0.001%). Stop-gained (nonsense): predicted to result in a loss or disruption of normal protein function through nonsense-mediated decay (NMD) or protein truncation. Multiple pathogenic variants are reported downstream of the variant. The variant has been reported to be associated with STRC related disorder (PMID: 32203226). Therefore, this variant is classified as pathogenic according to the recommendation of ACMG/AMP guideline.

Literature cited by the submitters: PubMed 32203226 (cited by 3billion).